The following is an entry in ClinVar:

NM_000094.4(COL7A1):c.4427T>C (p.Ile1476Thr)

Gene: COL7A1 (collagen type VII alpha 1 chain; minus strand). Cytogenetic location: 3p21.31.
Variant type: single nucleotide variant.
Coding change: c.4427T>C on transcript NM_000094.4 (MANE Select); coding-DNA position 4427, T replaced by C.
Protein change: p.Ile1476Thr; replaces isoleucine 1476 with threonine.
Molecular consequence: missense variant.
Genome position (GRCh38, 1-based): chr3:48,583,403, A>G on the plus strand (T>C on the coding strand, the complement: COL7A1 is on the minus strand). VCF-style: chr3-48583403-A-G. GRCh37 (hg19) VCF-style: chr3-48620836-A-G.
Other names: short protein forms I1476T.
Identifiers: ClinVar variation 903333 (VCV000903333.6), dbSNP rs2044930168, ClinGen allele CA352691840.

ClinVar aggregate classification (germline): Conflicting classifications of pathogenicity. Review status: criteria provided, conflicting classifications (1 of 4 stars). 3 submissions from 3 submitters: Uncertain significance (2); Likely benign (1). Last evaluated 2022-12-15.

Conditions:
Inborn genetic diseases. Identifiers: MedGen C0950123, MeSH D030342.
Epidermolysis bullosa dystrophica. Also called: Dystrophic epidermolysis bullosa; Dystrophic epidermolysis bullosa, Hallopeau-Siemens type (formerly). Identifiers: Orphanet 303, MedGen C0079294, MONDO:0006543.

Allele frequency attached by ClinVar (database versions not stated): gnomAD exomes 0.00003.
gnomAD v4.1: 43 of 1,614,118 alleles (0.0027%); highest among the groups gnomAD compares: Non-Finnish European, 0.0036%; no homozygotes.

Submissions (3):

Ambry Genetics
Classification: Likely benign for Inborn genetic diseases. Last evaluated: 2022-12-15. Review status: criteria provided, single submitter. Criteria: Ambry Variant Classification Scheme 2023. Collection method: clinical testing. Allele origin: germline.

Labcorp Genetics (formerly Invitae), Labcorp
Classification: Uncertain significance. Last evaluated: 2022-04-01. Review status: criteria provided, single submitter. Criteria: Invitae Variant Classification Sherloc (09022015). Collection method: clinical testing. Allele origin: germline.
Comment: This sequence change replaces isoleucine, which is neutral and non-polar, with threonine, which is neutral and polar, at codon 1476 of the COL7A1 protein (p.Ile1476Thr). This variant is not present in population databases (gnomAD no frequency). This variant has not been reported in the literature in individuals affected with COL7A1-related conditions. ClinVar contains an entry for this variant (Variation ID: 903333). Advanced modeling of protein sequence and biophysical properties (such as structural, functional, and spatial information, amino acid conservation, physicochemical variation, residue mobility, and thermodynamic stability) performed at Invitae indicates that this missense variant is not expected to disrupt COL7A1 protein function. In summary, the available evidence is currently insufficient to determine the role of this variant in disease. Therefore, it has been classified as a Variant of Uncertain Significance.

Illumina Laboratory Services, Illumina
Classification: Uncertain significance for Dystrophic epidermolysis bullosa. Last evaluated: 2018-01-13. Review status: criteria provided, single submitter. Criteria: ICSL Variant Classification Criteria 13 December 2019. Collection method: clinical testing. Allele origin: germline.